The following is an entry in ClinVar:

NM_015030.2(FRYL):c.5107C>T (p.Pro1703Ser)

Gene: FRYL (FRY like transcription coactivator; minus strand). Cytogenetic location: 4p11.
Variant type: single nucleotide variant.
Coding change: c.5107C>T on transcript NM_015030.2 (MANE Select); coding-DNA position 5107, C replaced by T.
Protein change: p.Pro1703Ser; replaces proline 1703 with serine.
Molecular consequence: missense variant.
Genome position (GRCh38, 1-based): chr4:48,546,239, G>A on the plus strand (C>T on the coding strand, the complement: FRYL is on the minus strand). VCF-style: chr4-48546239-G-A. GRCh37 (hg19) VCF-style: chr4-48548256-G-A.
Other names: short protein forms P1703S.
Identifiers: ClinVar variation 5020847 (VCV005020847.1).

ClinVar aggregate classification (germline): Uncertain significance (1 of 4 stars; one submission).

Submission:

Dasa
Classification: Uncertain significance. Last evaluated: 2025-10-01. Review status: criteria provided, single submitter. Criteria: DASA Assertion Criteria. Collection method: clinical testing. Allele origin: germline.
Comment: NM_015030.2(FRYL):c.5107C>T (p.Pro1703Ser) is a missense variant that results in the substitution of proline with serine. This variant is absent from population databases. The currently available literature and clinical evidence are not sufficient to establish a definitive association between this variant and the reported condition. Therefore, this variant is classified as a variant of uncertain significance.